The following is an entry in ClinVar:

NM_004370.6(COL12A1):c.5071C>A (p.Pro1691Thr)

Gene: COL12A1 (collagen type XII alpha 1 chain; minus strand). Cytogenetic location: 6q13.
Variant type: single nucleotide variant.
Coding change: c.5071C>A on transcript NM_004370.6 (MANE Select); coding-DNA position 5071, C replaced by A.
Protein change: p.Pro1691Thr; replaces proline 1691 with threonine.
Molecular consequence: missense variant.
Genome position (GRCh38, 1-based): chr6:75,138,848, G>T on the plus strand (C>A on the coding strand, the complement: COL12A1 is on the minus strand). VCF-style: chr6-75138848-G-T. GRCh37 (hg19) VCF-style: chr6-75848564-G-T.
Other names: c.5071C>A, p.Pro1691Thr (NM_001424113.1, NM_001424114.1); c.4798C>A, p.Pro1600Thr (NM_001424115.1); c.1579C>A, p.Pro527Thr (NM_001424116.1, NM_080645.3); short protein forms P527T, P1691T, P1600T.
Identifiers: ClinVar variation 2947994 (VCV002947994.3), dbSNP rs1461924145, ClinGen allele CA364739561.

ClinVar aggregate classification (germline): Uncertain significance (1 of 4 stars; one submission).

Conditions:
Ullrich congenital muscular dystrophy 2 (UCMD2). Identifiers: Orphanet 75840, MedGen C4225314, MONDO:0014654, OMIM 616470.
Bethlem myopathy 2 (BTHLM2). Identifiers: Orphanet 536516, Orphanet 610, MedGen C4225313, MONDO:0034022, OMIM 616471.

Submission:

Labcorp Genetics (formerly Invitae), Labcorp
Classification: Uncertain significance for Bethlem myopathy 2; Ullrich congenital muscular dystrophy 2. Last evaluated: 2023-06-08. Review status: criteria provided, single submitter. Criteria: Invitae Variant Classification Sherloc (09022015). Collection method: clinical testing. Allele origin: germline.
Comment: In summary, the available evidence is currently insufficient to determine the role of this variant in disease. Therefore, it has been classified as a Variant of Uncertain Significance. Advanced modeling of protein sequence and biophysical properties (such as structural, functional, and spatial information, amino acid conservation, physicochemical variation, residue mobility, and thermodynamic stability) performed at Invitae indicates that this missense variant is not expected to disrupt COL12A1 protein function. This variant has not been reported in the literature in individuals affected with COL12A1-related conditions. This variant is not present in population databases (gnomAD no frequency). This sequence change replaces proline, which is neutral and non-polar, with threonine, which is neutral and polar, at codon 1691 of the COL12A1 protein (p.Pro1691Thr).